The following is an entry in ClinVar:

ClinVar aggregate classification (germline): Benign. Review status: criteria provided, multiple submitters, no conflicts (2 of 4 stars). 5 submissions from 5 submitters: Benign (5). Last evaluated 2025-12-17.

Allele frequency attached by ClinVar (database versions not stated): gnomAD exomes 0.00234; ExAC 0.00299; 1000 Genomes Project 0.00819; 1000 Genomes Project 30x 0.00843; gnomAD 0.00934 and 0.01005; TOPMed 0.01088; ESP Exome Variant Server 0.01100.
gnomAD v4.1: 2,763 of 1,609,346 alleles (0.17%); highest among the groups gnomAD compares: African/African-American, 3.3%; 50 homozygotes.

Submissions (5):

Labcorp Genetics (formerly Invitae), Labcorp
Classification: Benign. Last evaluated: 2025-12-17. Review status: criteria provided, single submitter. Criteria: Invitae Variant Classification Sherloc (09022015). Collection method: clinical testing. Allele origin: germline.

Mayo Clinic Laboratories, Mayo Clinic
Classification: Benign. Last evaluated: 2023-01-31. Review status: criteria provided, single submitter. Criteria: ACMG Guidelines, 2015. Collection method: clinical testing. Allele origin: germline. Observed: 4 variant alleles.
Comment: BA1, BS2

ARUP Laboratories, Molecular Genetics and Genomics, ARUP Laboratories
Classification: Benign. Last evaluated: 2021-04-13. Review status: criteria provided, single submitter. Criteria: ARUP Molecular Germline Variant Investigation Process 2021. Collection method: clinical testing. Allele origin: germline.

GeneDx
Classification: Benign. Last evaluated: 2018-03-13. Review status: criteria provided, single submitter. Criteria: GeneDx Variant Classification (06012015). Collection method: clinical testing. Allele origin: germline. Affected: yes.
Comment: This variant is considered likely benign or benign based on one or more of the following criteria: it is a conservative change, it occurs at a poorly conserved position in the protein, it is predicted to be benign by multiple in silico algorithms, and/or has population frequency not consistent with disease.

Breakthrough Genomics
Classification: Benign. Review status: criteria provided, single submitter. Criteria: ACMG Guidelines, 2015. Collection method: not provided. Allele origin: germline. Inheritance: Autosomal recessive inheritance. Affected: yes.

NM_031475.3(ESPN):c.1265G>A (p.Arg422Gln)

Gene: ESPN (espin; plus strand). Cytogenetic location: 1p36.31.
Variant type: single nucleotide variant.
Coding change: c.1265G>A on transcript NM_031475.3 (MANE Select); coding-DNA position 1265, G replaced by A.
Protein change: p.Arg422Gln; replaces arginine 422 with glutamine.
Molecular consequence: missense variant.
Genome position (GRCh38, 1-based): chr1:6,445,736, G>A. VCF-style: chr1-6445736-G-A. GRCh37 (hg19) VCF-style: chr1-6505796-G-A.
Other names: p.Arg422Gln; c.1265G>A, p.Arg422Gln (NM_001367473.1, NM_001367474.1); short protein forms R422Q.
Identifiers: ClinVar variation 676419 (VCV000676419.18), dbSNP rs79108571, ClinGen allele CA560171.